The following is an entry in ClinVar:

ClinVar aggregate classification (germline): Uncertain significance (1 of 4 stars; one submission).

gnomAD v4.1: 4 of 1,234,592 alleles (0.00032%); highest among the groups gnomAD compares: Non-Finnish European, 0.0004%; no homozygotes.

Submission:

Labcorp Genetics (formerly Invitae), Labcorp
Classification: Uncertain significance. Last evaluated: 2024-07-15. Review status: criteria provided, single submitter. Criteria: Invitae Variant Classification Sherloc (09022015). Collection method: clinical testing. Allele origin: germline.
Comment: This sequence change replaces glycine, which is neutral and non-polar, with alanine, which is neutral and non-polar, at codon 12 of the KCNQ5 protein (p.Gly12Ala). This variant is not present in population databases (gnomAD no frequency). This variant has not been reported in the literature in individuals affected with KCNQ5-related conditions. Advanced modeling of protein sequence and biophysical properties (such as structural, functional, and spatial information, amino acid conservation, physicochemical variation, residue mobility, and thermodynamic stability) performed at Invitae indicates that this missense variant is not expected to disrupt KCNQ5 protein function with a negative predictive value of 95%. In summary, the available evidence is currently insufficient to determine the role of this variant in disease. Therefore, it has been classified as a Variant of Uncertain Significance.

NM_019842.4(KCNQ5):c.35G>C (p.Gly12Ala)

Genes: KCNQ5 (potassium voltage-gated channel subfamily Q member 5; plus strand), KCNQ5-DT (KCNQ5 divergent transcript; minus strand), LOC129996711 (ATAC-STARR-seq lymphoblastoid silent region 17329; plus strand). Cytogenetic location: 6q13.
Variant type: single nucleotide variant.
Coding change: c.35G>C on transcript NM_019842.4 (MANE Select); coding-DNA position 35, G replaced by C.
Protein change: p.Gly12Ala; replaces glycine 12 with alanine.
Molecular consequence: missense variant.
Genome position (GRCh38, 1-based): chr6:72,622,224, G>C. VCF-style: chr6-72622224-G-C. GRCh37 (hg19) VCF-style: chr6-73331952-G-C.
Other names: c.35G>C, p.Gly12Ala (NM_001160130.2, NM_001160132.2, NM_001160133.2 and 1 more transcripts); short protein forms G12A.
Identifiers: ClinVar variation 3608678 (VCV003608678.2).